The following is an entry in ClinVar:

ClinVar aggregate classification (germline): Pathogenic (1 of 4 stars; one submission).

Conditions:
Cardiovascular phenotype. Identifiers: MedGen CN230736.

Submission:

Ambry Genetics
Classification: Pathogenic for Cardiovascular phenotype. Last evaluated: 2025-03-19. Review status: criteria provided, single submitter. Criteria: Ambry Variant Classification Scheme 2023. Collection method: clinical testing. Allele origin: germline.
Comment: The p.E420* pathogenic mutation (also known as c.1258G>T), located in coding exon 10 of the DSP gene, results from a G to T substitution at nucleotide position 1258. This changes the amino acid from a glutamic acid to a stop codon within coding exon 10. This variant is considered to be rare based on population cohorts in the Genome Aggregation Database (gnomAD). This alteration is expected to result in loss of function by premature protein truncation or nonsense-mediated mRNA decay. As such, this alteration is interpreted as a disease-causing mutation.

NM_004415.4(DSP):c.1258G>T (p.Glu420Ter)

Gene: DSP (desmoplakin; plus strand). Cytogenetic location: 6p24.3.
Variant type: single nucleotide variant.
Coding change: c.1258G>T on transcript NM_004415.4 (MANE Select); coding-DNA position 1258, G replaced by T.
Protein change: p.Glu420Ter; replaces glutamic acid 420 with a stop codon.
Molecular consequence: nonsense.
Genome position (GRCh38, 1-based): chr6:7,567,898, G>T. VCF-style: chr6-7567898-G-T. GRCh37 (hg19) VCF-style: chr6-7568131-G-T.
Other names: c.1258G>T, p.Glu420Ter (NM_001008844.3, NM_001319034.2, NM_001406591.1); short protein forms E420*.
Identifiers: ClinVar variation 4015085 (VCV004015085.1).
Genomic context (GRCh38, chr6:7,567,898, plus strand): 5'-AGGAAGAAGTACCCCTGCGACAAGAACATGCCCCTGCAGCACCTGCTGGAACAGATCAAG[G>T]AGCTGGAGGTATCGTCTCAGACCCAGAACCTCAGCAGCTGTGCCTGATCAGGGAGATAAA-3'